The following is an entry in ClinVar:

ClinVar aggregate classification (germline): Likely pathogenic (1 of 4 stars; one submission).

Conditions:
Developmental and epileptic encephalopathy, 23 (DEE23). Also called: Epileptic encephalopathy, early infantile, 23. Identifiers: Orphanet 411986, MedGen C4014492, MONDO:0014371, OMIM 615859.

Submission:

Labcorp Genetics (formerly Invitae), Labcorp
Classification: Likely pathogenic for Developmental and epileptic encephalopathy, 23. Last evaluated: 2024-11-05. Review status: criteria provided, single submitter. Criteria: Invitae Variant Classification Sherloc (09022015). Collection method: clinical testing. Allele origin: germline.
Comment: This sequence change affects an acceptor splice site in intron 20 of the DOCK7 gene. It is expected to disrupt RNA splicing. Variants that disrupt the donor or acceptor splice site typically lead to a loss of protein function (PMID: 16199547), and loss-of-function variants in DOCK7 are known to be pathogenic (PMID: 24814191). This variant is not present in population databases (gnomAD no frequency). This variant has not been reported in the literature in individuals affected with DOCK7-related conditions. ClinVar contains an entry for this variant (Variation ID: 1487641). Algorithms developed to predict the effect of sequence changes on RNA splicing suggest that this variant may disrupt the consensus splice site. In summary, the currently available evidence indicates that the variant is pathogenic, but additional data are needed to prove that conclusively. Therefore, this variant has been classified as Likely Pathogenic.

Literature cited by the submitters: PubMed 16199547; PubMed 24814191.

NM_001367561.1(DOCK7):c.2432-2A>C

Gene: DOCK7 (dedicator of cytokinesis 7; minus strand). Cytogenetic location: 1p31.3.
Variant type: single nucleotide variant.
Coding change: c.2432-2A>C on transcript NM_001367561.1 (MANE Select); the canonical splice acceptor site of the intron before coding-DNA position 2432, A replaced by C.
Molecular consequence: splice acceptor variant.
Genome position (GRCh38, 1-based): chr1:62,555,991, T>G on the plus strand (A>C on the coding strand, the complement: DOCK7 is on the minus strand). VCF-style: chr1-62555991-T-G. GRCh37 (hg19) VCF-style: chr1-63021662-T-G.
Other names: c.2432-2A>C (NM_001272001.2, NM_001272000.2, NM_033407.4 and 2 more transcripts).
Identifiers: ClinVar variation 1487641 (VCV001487641.6), dbSNP rs760580647, ClinGen allele CA340624110.